The following is an entry in ClinVar:

NM_000531.6(OTC):c.298+3_298+6del

Gene: OTC (ornithine transcarbamylase; plus strand). Cytogenetic location: Xp11.4.
Variant type: Deletion.
Coding change: c.298+3_298+6del on transcript NM_000531.6 (MANE Select); bases 3 to 6 of the intron after coding-DNA position 298, 4 bases deleted (AAGT; older notation c.298+3_298+6delAAGT).
Molecular consequence: splice donor variant.
Genome position (GRCh38, 1-based): chrX:38,369,880-38,369,883, AAGT deleted; deleting any 4 consecutive bases within chrX:38,369,878-38,369,883 gives the same sequence; the c. name uses the placement nearest the transcript's 3' end. VCF-style (leftmost placement, unchanged base first): chrX-38369877-GGTAA-G. GRCh37 (hg19) VCF-style: chrX-38229130-GGTAA-G.
Identifiers: ClinVar variation 836194 (VCV000836194.11), dbSNP rs2068315608, ClinGen allele CA916083891.

ClinVar aggregate classification (germline): Uncertain significance. Review status: reviewed by expert panel (3 of 4 stars). 2 submissions from 2 submitters: Uncertain significance (1). 1 of the submissions does not count toward it. Last evaluated 2026-05-19.

Conditions:
Ornithine carbamoyltransferase deficiency (OTCD). Also called: OTC DEFICIENCY; Ornithine Carbamoyltransferase Deficiency Disease; ORNITHINE TRANSCARBAMYLASE DEFICIENCY, HYPERAMMONEMIA DUE TO; ORNITHINE TRANSCARBAMYLASE DEFICIENCY. Identifiers: Orphanet 664, MedGen C0268542, MONDO:0010703, OMIM 311250.

Submissions (2):

Clingen Urea Cycle Disorders Variant Curation Expert Panel, ClinGen
Classification: Uncertain significance for Ornithine carbamoyltransferase deficiency. Last evaluated: 2026-05-19. Review status: reviewed by expert panel. Criteria: ClinGen UreaCycles ACMG Specifications OTC V1.0. Collection method: curation. Allele origin: germline. Inheritance: X-linked inheritance.
Comment: The NM_000531.6:c.298+3_298+6del variant in OTC is an intronic variant in intron 3. To our knowledge, this variant has not been reported in the literature and results of functional studies are unavailable. This variant is absent in gnomAD v4.1.0 (PM2_Supporting). The computational splicing predictor SpliceAI gives a score of 0.92 for donor loss, predicting that the variant disrupts the donor splice site of intron 3 of OTC (PP3), but there are no functional studies to confirm this prediction. In summary, this variant meets the criteria to be classified as a variant of uncertain significance for OTC deficiency based on the ACMG/AMP criteria applied, as specified by the ClinGen Urea Cycle Disorders Variant Curation Expert Panel (OTC specifications version 1.0.0): PM2_Supporting, PP3.

Labcorp Genetics (formerly Invitae), Labcorp
Classification: Uncertain significance for Ornithine carbamoyltransferase deficiency. Last evaluated: 2019-01-22. Review status: criteria provided, single submitter. Criteria: Invitae Variant Classification Sherloc (09022015). Collection method: clinical testing. Allele origin: germline. Not counted in ClinVar's aggregate classification.
Comment: This variant has not been reported in the literature in individuals with OTC-related conditions. This sequence change falls in intron 3 of the OTC gene. It does not directly change the encoded amino acid sequence of the OTC protein, but it affects a nucleotide within the consensus splice site of the intron. This variant is not present in population databases (ExAC no frequency). Nucleotide substitutions within the consensus splice site are a relatively common cause of aberrant splicing (PMID: 17576681, 9536098). Algorithms developed to predict the effect of sequence changes on RNA splicing suggest that this variant may disrupt the consensus splice site, but this prediction has not been confirmed by published transcriptional studies. In summary, the available evidence is currently insufficient to determine the role of this variant in disease. Therefore, it has been classified as a Variant of Uncertain Significance.

Literature cited by the submitters: PubMed 17576681 (cited by Labcorp Genetics (formerly Invitae), Labcorp); PubMed 9536098 (cited by Labcorp Genetics (formerly Invitae), Labcorp).